The following is an entry in ClinVar:

ClinVar aggregate classification (germline): Conflicting classifications of pathogenicity. Review status: criteria provided, conflicting classifications (1 of 4 stars). 4 submissions from 4 submitters: Uncertain significance (2); Benign (1); Likely benign (1). Last evaluated 2024-05-11.

Conditions:
Bardet-Biedl syndrome 16 (BBS16). Identifiers: Orphanet 110, MedGen C3889474, MONDO:0014444, OMIM 615993.
Senior-Loken syndrome 7 (SLSN7). Identifiers: Orphanet 3156, MedGen C3150877, MONDO:0013326, OMIM 613615.

Allele frequency attached by ClinVar (database versions not stated): gnomAD exomes 0.00005 and 0.00009; ExAC 0.00010; ESP Exome Variant Server 0.00023; gnomAD 0.00029 and 0.00031; TOPMed 0.00034; 1000 Genomes Project 30x 0.00109; 1000 Genomes Project 0.00120.
gnomAD v4.1: 129 of 1,614,166 alleles (0.008%); highest among the groups gnomAD compares: African/African-American, 0.084%; no homozygotes.

Submissions (4):

Fulgent Genetics
Classification: Uncertain significance for Senior-Loken syndrome 7; Bardet-Biedl syndrome 16. Last evaluated: 2024-05-11. Review status: criteria provided, single submitter. Criteria: ACMG Guidelines, 2015. Collection method: clinical testing. Allele origin: germline.

Labcorp Genetics (formerly Invitae), Labcorp
Classification: Uncertain significance for Bardet-Biedl syndrome 16; Senior-Loken syndrome 7. Last evaluated: 2023-11-27. Review status: criteria provided, single submitter. Criteria: Invitae Variant Classification Sherloc (09022015). Collection method: clinical testing. Allele origin: germline.
Comment: This sequence change replaces valine, which is neutral and non-polar, with isoleucine, which is neutral and non-polar, at codon 322 of the SDCCAG8 protein (p.Val322Ile). This variant is present in population databases (rs6672843, gnomAD 0.07%). This variant has not been reported in the literature in individuals affected with SDCCAG8-related conditions. ClinVar contains an entry for this variant (Variation ID: 260015). Advanced modeling of protein sequence and biophysical properties (such as structural, functional, and spatial information, amino acid conservation, physicochemical variation, residue mobility, and thermodynamic stability) performed at Invitae indicates that this missense variant is not expected to disrupt SDCCAG8 protein function with a negative predictive value of 80%. In summary, the available evidence is currently insufficient to determine the role of this variant in disease. Therefore, it has been classified as a Variant of Uncertain Significance.

Blueprint Genetics
Classification: Likely benign. Last evaluated: 2021-11-11. Review status: criteria provided, single submitter. Criteria: ACMG Guidelines, 2015. Collection method: clinical testing. Allele origin: germline.

PreventionGenetics, part of Exact Sciences
Classification: Benign. Review status: criteria provided, single submitter. Criteria: ACMG Guidelines, 2015. Collection method: clinical testing. Allele origin: germline.

NM_006642.5(SDCCAG8):c.964G>A (p.Val322Ile)

Gene: SDCCAG8 (SHH signaling and ciliogenesis regulator SDCCAG8; plus strand). Cytogenetic location: 1q43.
Variant type: single nucleotide variant.
Coding change: c.964G>A on transcript NM_006642.5 (MANE Select); coding-DNA position 964, G replaced by A.
Protein change: p.Val322Ile; replaces valine 322 with isoleucine.
Molecular consequence: missense variant.
Genome position (GRCh38, 1-based): chr1:243,316,789, G>A. VCF-style: chr1-243316789-G-A. GRCh37 (hg19) VCF-style: chr1-243480091-G-A.
Other names: c.61G>A, p.Val21Ile (NM_001350246.2, NM_001350247.2, NM_001350251.2); c.1060G>A, p.Val354Ile (NM_001350248.2); c.670G>A, p.Val224Ile (NM_001350249.2); short protein forms V322I, V224I, V354I, V21I.
Identifiers: ClinVar variation 260015 (VCV000260015.9), dbSNP rs6672843, ClinGen allele CA1483504.